The following is an entry in ClinVar:

GRCh38/hg38 4p16.3(chr4:72555-1581567)x1

Genes: ATP5ME (ATP synthase membrane subunit e; minus strand), CPLX1 (complexin 1; minus strand), CPLX1-AS1 (CPLX1 antisense RNA 1; plus strand), CRIPAK (cysteine rich PAK1 inhibitor; plus strand), CTBP1 (C-terminal binding protein 1; minus strand) and 95 more. Cytogenetic location: 4p16.3.
Variant type: copy number loss.
Change: copy number 1 (one copy instead of two) of chr4:72,555-1,581,567 (1.51 Mb, GRCh38 coordinates, 1-based), cytogenetic band 4p16.3.
Identifiers: ClinVar variation 150613 (VCV000150613.4).

ClinVar aggregate classification (germline): Uncertain significance (0 of 4 stars; one submission).

Submission:

ISCA site 1
Classification: Uncertain significance. Last evaluated: 2018-02-14. Review status: no assertion criteria provided. Collection method: clinical testing. Allele origin: de novo. Affected: yes. Observed: 1 variant allele.
Comment: Smaller than typical deletion size.

Copy number variation identified through the course of routine clinical cytogenomic testing in postnatal populations, with clinical assertions as classified by the original submitter. For data from the original published study, Kaminsky, et al. 2011 (PubMed 21844811), please see nstd101.